The following is an entry in ClinVar:

NM_015378.4(VPS13D):c.6775A>G (p.Ile2259Val)

Gene: VPS13D (vacuolar protein sorting 13 homolog D; plus strand). Cytogenetic location: 1p36.22.
Variant type: single nucleotide variant.
Coding change: c.6775A>G on transcript NM_015378.4 (MANE Select); coding-DNA position 6775, A replaced by G.
Protein change: p.Ile2259Val; replaces isoleucine 2259 with valine.
Molecular consequence: missense variant.
Genome position (GRCh38, 1-based): chr1:12,311,578, A>G. VCF-style: chr1-12311578-A-G. GRCh37 (hg19) VCF-style: chr1-12371635-A-G.
Other names: c.6775A>G (NM_015378.3); c.6775A>G, p.Ile2259Val (NM_018156.4); short protein forms I2259V.
Identifiers: ClinVar variation 2546566 (VCV002546566.5), dbSNP rs144114941, ClinGen allele CA18065249.

ClinVar aggregate classification (germline): Uncertain significance. Review status: criteria provided, multiple submitters, no conflicts (2 of 4 stars). 3 submissions from 3 submitters: Uncertain significance (3). Last evaluated 2025-10-07.

Conditions:
Inborn genetic diseases. Identifiers: MedGen C0950123, MeSH D030342.
VPS13D-related disorder. Also called: VPS13D-related condition.

Allele frequency attached by ClinVar (database versions not stated): gnomAD exomes 0.00001; TOPMed 0.00002; ESP Exome Variant Server 0.00008.

Submissions (3):

Ambry Genetics
Classification: Uncertain significance for Inborn genetic diseases. Last evaluated: 2025-10-07. Review status: criteria provided, single submitter. Criteria: Ambry Variant Classification Scheme 2023. Collection method: clinical testing. Allele origin: germline.

PreventionGenetics, part of Exact Sciences
Classification: Uncertain significance for VPS13D-related condition. Last evaluated: 2025-06-27. Review status: criteria provided, single submitter. Criteria: ACMG Guidelines, 2015. Collection method: clinical testing. Allele origin: germline.
Comment: The VPS13D c.6775A>G variant is predicted to result in the amino acid substitution p.Ile2259Val. To our knowledge, this variant has not been reported in the literature. This variant is reported in 0.0033% of alleles in individuals of South Asian descent in gnomAD. At this time, the clinical significance of this variant is uncertain due to the absence of conclusive functional and genetic evidence.

GeneDx
Classification: Uncertain significance. Last evaluated: 2023-05-15. Review status: criteria provided, single submitter. Criteria: GeneDx Variant Classification Process June 2021. Collection method: clinical testing. Allele origin: germline. Affected: yes.
Comment: In silico analysis supports that this missense variant has a deleterious effect on protein structure/function; Has not been previously published as pathogenic or benign to our knowledge